The following is an entry in ClinVar:

ClinVar aggregate classification (germline): Pathogenic (1 of 4 stars; one submission).

Submission:

Labcorp Genetics (formerly Invitae), Labcorp
Classification: Pathogenic. Last evaluated: 2025-01-01. Review status: criteria provided, single submitter. Criteria: Invitae Variant Classification Sherloc (09022015). Collection method: clinical testing. Allele origin: germline.
Comment: This sequence change creates a premature translational stop signal (p.Asp1051Glufs*70) in the ADAMTS13 gene. It is expected to result in an absent or disrupted protein product. Loss-of-function variants in ADAMTS13 are known to be pathogenic (PMID: 11586351, 12753286, 21781265). This variant is not present in population databases (gnomAD no frequency). This variant has not been reported in the literature in individuals affected with ADAMTS13-related conditions. For these reasons, this variant has been classified as Pathogenic.

Literature cited by the submitters: PubMed 11586351; PubMed 12753286; PubMed 21781265.

NM_139027.6(ADAMTS13):c.3153del (p.Asp1051fs)

Gene: ADAMTS13 (ADAM metallopeptidase with thrombospondin type 1 motif 13; plus strand). Cytogenetic location: 9q34.2.
Variant type: Deletion.
Coding change: c.3153del on transcript NM_139027.6 (MANE Select); coding-DNA position 3153, one base deleted (C; older notation c.3153delC).
Protein change: p.Asp1051fs; shifts the reading frame from aspartic acid 1051.
Molecular consequence: frameshift variant. On other transcripts: non-coding transcript variant (1).
Genome position (GRCh38, 1-based): chr9:133,454,523, C deleted. VCF-style (leftmost placement, unchanged base first): chr9-133454522-AC-A. GRCh37 (hg19) VCF-style: chr9-136319644-AC-A.
Other names: c.3153del, p.Asp1051fs (NM_139025.5); c.3060del, p.Asp1020fs (NM_139026.6); short protein forms D1020fs, D1051fs.
Identifiers: ClinVar variation 3728429 (VCV003728429.2).